The following is an entry in ClinVar:

NM_020922.5(WNK3):c.831G>A (p.Lys277=)

Gene: WNK3 (WNK lysine deficient protein kinase 3; minus strand). Cytogenetic location: Xp11.22.
Variant type: single nucleotide variant.
Coding change: c.831G>A on transcript NM_020922.5 (MANE Select); coding-DNA position 831, G replaced by A.
Protein change: p.Lys277=; no amino-acid change (lysine 277 retained).
Molecular consequence: synonymous variant.
Genome position (GRCh38, 1-based): chrX:54,309,195, C>T on the plus strand (G>A on the coding strand, the complement: WNK3 is on the minus strand). VCF-style: chrX-54309195-C-T. GRCh37 (hg19) VCF-style: chrX-54335628-C-T.
Other names: c.831G>A, p.Lys277= (NM_001002838.4, NM_001395166.1).
Identifiers: ClinVar variation 2626958 (VCV002626958.1), dbSNP rs2521920252, ClinGen allele CA516589994.

ClinVar aggregate classification (germline): Uncertain significance (1 of 4 stars; one submission).

Submission:

Greenwood Genetic Center Diagnostic Laboratories, Greenwood Genetic Center
Classification: Uncertain significance. Last evaluated: 2023-09-20. Review status: criteria provided, single submitter. Criteria: ACMG Guidelines, 2015. Collection method: clinical testing. Allele origin: germline. Affected: yes.
Comment: Gene of Uncertain Significance